The following is an entry in ClinVar:

ClinVar aggregate classification (germline): Uncertain significance (1 of 4 stars; one submission).

Conditions:
CODAS syndrome. Also called: CEREBRAL, OCULAR, DENTAL, AURICULAR, AND SKELETAL ANOMALIES SYNDROME. Identifiers: Orphanet 1458, MedGen C1838180, MONDO:0010879, OMIM 600373.

Submission:

Juno Genomics, Hangzhou Juno Genomics, Inc
Classification: Uncertain significance for CODAS syndrome. Review status: criteria provided, single submitter. Criteria: ACMG Guidelines, 2015. Collection method: clinical testing. Allele origin: germline.
Comment: Absent from controls (or at extremely low frequency if recessive) in Genome Aggregation Database.;For recessive disorders, detected in trans with a pathogenic variant.;Patient's phenotype or family history is highly specific for a disease with a single genetic etiology.

NM_004793.4(LONP1):c.1517C>T (p.Ala506Val)

Gene: LONP1 (lon peptidase 1, mitochondrial; minus strand). Cytogenetic location: 19p13.3.
Variant type: single nucleotide variant.
Coding change: c.1517C>T on transcript NM_004793.4 (MANE Select); coding-DNA position 1517, C replaced by T.
Protein change: p.Ala506Val; replaces alanine 506 with valine.
Molecular consequence: missense variant. On other transcripts: non-coding transcript variant (1).
Genome position (GRCh38, 1-based): chr19:5,699,195, G>A on the plus strand (C>T on the coding strand, the complement: LONP1 is on the minus strand). VCF-style: chr19-5699195-G-A. GRCh37 (hg19) VCF-style: chr19-5699206-G-A.
Other names: c.1325C>T, p.Ala442Val (NM_001276479.2); c.929C>T, p.Ala310Val (NM_001276480.1); short protein forms A310V, A442V, A506V.
Identifiers: ClinVar variation 5018896 (VCV005018896.2).
Genomic context (GRCh38, chr19:5,699,195, plus strand): 5'-CCAGGGGGGCCATAGAAGCAGAGGATCTTGCCCTGGGTGGAGCCGCGGAGCTGGCTAACG[G>A]CAATGAACTCCTGCAGACAGAGGCAGGTTCAGTGGGCACGTGAGCTGGGGAAGCCGGGGA-3'
Protein context (NP_004784.2, residues 496-516): DVKKRILEFI[Ala506Val]VSQLRGSTQG